The following is an entry in ClinVar:

ClinVar aggregate classification (germline): Uncertain significance (1 of 4 stars; one submission).

Conditions:
Propionic acidemia (PROP). Also called: GLYCINEMIA, KETOTIC; HYPERGLYCINEMIA WITH KETOACIDOSIS AND LEUKOPENIA; KETOTIC HYPERGLYCINEMIA. Identifiers: Orphanet 35, MedGen C0268579, MONDO:0011628, OMIM 606054, HP:0003571.

Allele frequency attached by ClinVar (database versions not stated): TOPMed below 0.00001; ExAC 0.00001; gnomAD 0.00001; gnomAD exomes 0.00001.
gnomAD v4.1: 12 of 1,613,308 alleles (0.00074%); highest among the groups gnomAD compares: Non-Finnish European, 0.00085%; no homozygotes.

Submission:

Labcorp Genetics (formerly Invitae), Labcorp
Classification: Uncertain significance for Propionic acidemia. Last evaluated: 2022-08-09. Review status: criteria provided, single submitter. Criteria: Invitae Variant Classification Sherloc (09022015). Collection method: clinical testing. Allele origin: germline.
Comment: This sequence change replaces alanine, which is neutral and non-polar, with serine, which is neutral and polar, at codon 157 of the PCCA protein (p.Ala157Ser). This variant is present in population databases (rs772068496, gnomAD 0.004%). This variant has not been reported in the literature in individuals affected with PCCA-related conditions. ClinVar contains an entry for this variant (Variation ID: 1446592). Algorithms developed to predict the effect of missense changes on protein structure and function (SIFT, PolyPhen-2, Align-GVGD) all suggest that this variant is likely to be tolerated. In summary, the available evidence is currently insufficient to determine the role of this variant in disease. Therefore, it has been classified as a Variant of Uncertain Significance.

NM_000282.4(PCCA):c.469G>T (p.Ala157Ser)

Gene: PCCA (propionyl-CoA carboxylase subunit alpha; plus strand). Cytogenetic location: 13q32.3.
Variant type: single nucleotide variant.
Coding change: c.469G>T on transcript NM_000282.4 (MANE Select); coding-DNA position 469, G replaced by T.
Protein change: p.Ala157Ser; replaces alanine 157 with serine.
Molecular consequence: missense variant. On other transcripts: 5 prime UTR variant (3), non-coding transcript variant (5).
Genome position (GRCh38, 1-based): chr13:100,209,332, G>T. VCF-style: chr13-100209332-G-T. GRCh37 (hg19) VCF-style: chr13-100861586-G-T.
Other names: c.391G>T, p.Ala131Ser (NM_001127692.3, NM_001352607.2, NM_001352608.2); c.469G>T, p.Ala157Ser (NM_001178004.2, NM_001352605.2, NM_001352606.2 and 1 more transcripts); c.-398G>T (NM_001352610.2, NM_001352611.2, NM_001352612.2); short protein forms A131S, A157S.
Identifiers: ClinVar variation 1446592 (VCV001446592.3), dbSNP rs772068496, ClinGen allele CA7033247.